The following is an entry in ClinVar:

ClinVar aggregate classification (germline): Uncertain significance (1 of 4 stars; one submission).

gnomAD v4.1: 4 of 1,555,516 alleles (0.00026%); highest among the groups gnomAD compares: Non-Finnish European, 0.00035%; no homozygotes.

Submission:

Women's Health and Genetics/Laboratory Corporation of America, LabCorp
Classification: Uncertain significance. Last evaluated: 2024-09-11. Review status: criteria provided, single submitter. Criteria: LabCorp Variant Classification Summary - May 2015. Collection method: clinical testing. Allele origin: germline.
Comment: Variant summary: CERT1 c.1778T>C (p.Val593Ala) results in a non-conservative amino acid change in the encoded protein sequence. Three of five in-silico tools predict a benign effect of the variant on protein function. The variant allele was found at a frequency of 9.4e-06 in 213096 control chromosomes. The available data on variant occurrences in the general population are insufficient to allow any conclusion about variant significance. To our knowledge, no occurrence of c.1778T>C in individuals affected with Intellectual Disability, Autosomal Dominant 34 and no experimental evidence demonstrating its impact on protein function have been reported. No submitters have cited clinical-significance assessments for this variant to ClinVar. Based on the evidence outlined above, the variant was classified as uncertain significance.

NM_001379029.1(CERT1):c.1394T>C (p.Val465Ala)

Gene: CERT1 (ceramide transporter 1; minus strand). Cytogenetic location: 5q13.3.
Variant type: single nucleotide variant.
Coding change: c.1394T>C on transcript NM_001379029.1 (MANE Select); coding-DNA position 1394, T replaced by C.
Protein change: p.Val465Ala; replaces valine 465 with alanine.
Molecular consequence: missense variant.
Genome position (GRCh38, 1-based): chr5:75,385,925, A>G on the plus strand (T>C on the coding strand, the complement: CERT1 is on the minus strand). VCF-style: chr5-75385925-A-G. GRCh37 (hg19) VCF-style: chr5-74681750-A-G.
Other names: c.1778T>C, p.Val593Ala (NM_001130105.1); c.1394T>C, p.Val465Ala (NM_001379002.1, NM_005713.3); c.1316T>C, p.Val439Ala (NM_001379003.1, NM_001379004.1, NM_031361.3); short protein forms V439A, V465A, V593A.
Identifiers: ClinVar variation 3374879 (VCV003374879.1).